The following is an entry in ClinVar:

NM_001009944.3(PKD1):c.419C>T (p.Ala140Val)

Gene: PKD1 (polycystin 1, transient receptor potential channel interacting; minus strand). Cytogenetic location: 16p13.3.
Variant type: single nucleotide variant.
Coding change: c.419C>T on transcript NM_001009944.3 (MANE Select); coding-DNA position 419, C replaced by T.
Protein change: p.Ala140Val; replaces alanine 140 with valine.
Molecular consequence: missense variant.
Genome position (GRCh38, 1-based): chr16:2,118,786, G>A on the plus strand (C>T on the coding strand, the complement: PKD1 is on the minus strand). VCF-style: chr16-2118786-G-A. GRCh37 (hg19) VCF-style: chr16-2168787-G-A.
Other names: c.419C>T, p.Ala140Val (NM_000296.4); short protein forms A140V.
Identifiers: ClinVar variation 3213472 (VCV003213472.3), dbSNP rs758309702, ClinGen allele CA7833708.

ClinVar aggregate classification (germline): Likely benign. Review status: criteria provided, multiple submitters, no conflicts (2 of 4 stars). 3 submissions from 3 submitters: Likely benign (2). 1 of the submissions does not count toward it. Last evaluated 2024-02-20.

Conditions:
Inborn genetic diseases. Identifiers: MedGen C0950123, MeSH D030342.
PKD1-related disorder. Also called: PKD1-related condition.

Allele frequency attached by ClinVar (database versions not stated): gnomAD exomes 0.00010; TOPMed 0.00011; gnomAD 0.00013; 1000 Genomes Project 30x 0.00016.
gnomAD v4.1: 145 of 1,489,886 alleles (0.0097%); highest among the groups gnomAD compares: East Asian, 0.05%; no homozygotes.

Submissions (3):

Ambry Genetics
Classification: Likely benign for Inborn genetic diseases. Last evaluated: 2024-02-20. Review status: criteria provided, single submitter. Criteria: Ambry Variant Classification Scheme 2023. Collection method: clinical testing. Allele origin: germline.

Blueprint Genetics
Classification: Likely benign. Last evaluated: 2024-01-19. Review status: criteria provided, single submitter. Criteria: ACMG Guidelines, 2015. Collection method: clinical testing. Allele origin: germline.

PreventionGenetics, part of Exact Sciences
Classification: Likely benign for PKD1-related condition. Last evaluated: 2024-07-17. Review status: no assertion criteria provided. Collection method: clinical testing. Allele origin: germline. Not counted in ClinVar's aggregate classification.
Comment: This variant is classified as likely benign based on ACMG/AMP sequence variant interpretation guidelines (Richards et al. 2015 PMID: 25741868, with internal and published modifications).